The following is an entry in ClinVar:

ClinVar aggregate classification (germline): Likely benign. Review status: criteria provided, multiple submitters, no conflicts (2 of 4 stars). 4 submissions from 4 submitters: Likely benign (4). Last evaluated 2025-04-05.

Conditions:
Cardiovascular phenotype. Identifiers: MedGen CN230736.
Catecholaminergic polymorphic ventricular tachycardia (CVPT). Also called: Catecholamine-induced polymorphic ventricular tachycardia. Identifiers: Orphanet 3286, MedGen C5574922, MONDO:0017990.
Catecholaminergic polymorphic ventricular tachycardia 1. Also called: RYR2-Related Catecholaminergic Polymorphic Ventricular Tachycardia; VENTRICULAR TACHYCARDIA, STRESS-INDUCED POLYMORPHIC 1; VENTRICULAR TACHYCARDIA, CATECHOLAMINERGIC POLYMORPHIC, 1, WITH OR WITHOUT ATRIAL DYSFUNCTION AND/OR DILATED CARDIOMYOPATHY. Identifiers: Orphanet 3286, MedGen C1631597, MONDO:0011484, OMIM 604772.
Cardiomyopathy (CMYO). Also called: Cardiomyopathies. Identifiers: Orphanet 167848, MedGen C0878544, MONDO:0004994, HP:0001638. Inheritance: Various modes of inheritance.

Allele frequency attached by ClinVar (database versions not stated): gnomAD exomes below 0.00001; TOPMed below 0.00001.
gnomAD v4.1: 3 of 1,606,888 alleles (0.00019%); highest among the groups gnomAD compares: Non-Finnish European, 0.00026%; no homozygotes.

Submissions (4):

Ambry Genetics
Classification: Likely benign for Cardiovascular phenotype. Last evaluated: 2025-04-05. Review status: criteria provided, single submitter. Criteria: Ambry Variant Classification Scheme 2023. Collection method: clinical testing. Allele origin: germline.

All of Us Research Program, National Institutes of Health
Classification: Likely benign for Catecholaminergic polymorphic ventricular tachycardia. Last evaluated: 2024-03-24. Review status: criteria provided, single submitter. Criteria: ACMG Guidelines, 2015. Collection method: clinical testing. Allele origin: germline. Inheritance: Autosomal dominant inheritance. Observed: 1 variant allele, 1 heterozygote.
Comment: This study involves interpretation of variants in research participants for the purpose of population health screening. Participant phenotype was not available at the time of variant classification. Additional details can be found in publication PMID: 35346344, PMCID: PMC8962531

Color Diagnostics, LLC DBA Color Health
Classification: Likely benign for Cardiomyopathy. Last evaluated: 2023-04-21. Review status: criteria provided, single submitter. Criteria: ACMG Guidelines, 2015. Collection method: clinical testing. Allele origin: germline.

Labcorp Genetics (formerly Invitae), Labcorp
Classification: Likely benign for Catecholaminergic polymorphic ventricular tachycardia 1. Last evaluated: 2023-01-16. Review status: criteria provided, single submitter. Criteria: Invitae Variant Classification Sherloc (09022015). Collection method: clinical testing. Allele origin: germline.

NM_001035.3(RYR2):c.14898A>T (p.Leu4966=)

Gene: RYR2 (ryanodine receptor 2; plus strand). Cytogenetic location: 1q43.
Variant type: single nucleotide variant.
Coding change: c.14898A>T on transcript NM_001035.3 (MANE Select); coding-DNA position 14898, A replaced by T.
Protein change: p.Leu4966=; no amino-acid change (leucine 4966 retained).
Molecular consequence: synonymous variant.
Genome position (GRCh38, 1-based): chr1:237,832,641, A>T. VCF-style: chr1-237832641-A-T. GRCh37 (hg19) VCF-style: chr1-237995941-A-T.
Other names: c.14898A>T (NM_001035.2).
Identifiers: ClinVar variation 2097699 (VCV002097699.8), dbSNP rs1309469924, ClinGen allele CA424058892.